The following is an entry in ClinVar:

NM_000059.4(BRCA2):c.1653_1655delinsGGA (p.Asp551_Ser552delinsGluAsp)

Gene: BRCA2 (BRCA2 DNA repair associated; plus strand). Cytogenetic location: 13q13.1.
Variant type: Indel.
Coding change: c.1653_1655delinsGGA on transcript NM_000059.4 (MANE Select); coding-DNA positions 1653 to 1655, CTC replaced by GGA.
Protein change: p.Asp551_Ser552delinsGluAsp.
Molecular consequence: missense variant.
Genome position (GRCh38, 1-based): chr13:32,333,131-32,333,133, CTC replaced by GGA. VCF-style: chr13-32333131-CTC-GGA. GRCh37 (hg19) VCF-style: chr13-32907268-CTC-GGA.
Other names: c.1653_1655delCTCinsGGA, p.Asp551_Ser552delinsGluAsp (NM_001406719.1, NM_001406720.1, NM_001406721.1).
Identifiers: ClinVar variation 1777286 (VCV001777286.6), dbSNP rs2548520717, ClinGen allele CA2580087092.

ClinVar aggregate classification (germline): Conflicting classifications of pathogenicity. Review status: criteria provided, conflicting classifications (1 of 4 stars). 3 submissions from 3 submitters: Uncertain significance (2); Likely benign (1). Last evaluated 2025-09-22.

Conditions:
Hereditary cancer-predisposing syndrome. Also called: Neoplastic Syndromes, Hereditary; Tumor predisposition; Hereditary Cancer Syndrome; Hereditary neoplastic syndrome. Identifiers: Orphanet 140162, MedGen C0027672, MeSH D009386, MONDO:0015356.

Submissions (3):

Ambry Genetics
Classification: Uncertain significance for Hereditary cancer-predisposing syndrome. Last evaluated: 2025-09-22. Review status: criteria provided, single submitter. Criteria: Ambry Variant Classification Scheme 2023. Collection method: clinical testing. Allele origin: germline.
Comment: The c.1653_1655delCTCinsGGA variant, located in coding exon 9 of the BRCA2 gene, results from an in-frame deletion of CTC and insertion of GGA at nucleotide positions 1653 to 1655. This results in the substitution of glutamate and aspartate residues for aspartate and serine residues at codons 551 and 552. This amino acid region is not well conserved in available vertebrate species. In addition, this alteration is predicted to be neutral by in silico analysis (Choi Y et al. PLoS ONE. 2012; 7(10):e46688). Based on the available evidence, the clinical significance of this variant remains unclear.

Color Diagnostics, LLC DBA Color Health
Classification: Uncertain significance for Hereditary cancer-predisposing syndrome. Last evaluated: 2025-08-28. Review status: criteria provided, single submitter. Criteria: ACMG Guidelines, 2015. Collection method: clinical testing. Allele origin: germline.
Comment: This variant causes an in-frame substitution of two amino acids, Aspartic acid (Asp) and Serine (Ser) at residues 551 and 552, with two novel amino acids, Glutamic acid (Glu) and Aspartic acid (Asp), respectively, in the BRCA2 protein (ENST00000544455:p.Asp551_Ser552delinsGluAsp). To our knowledge, functional studies have not been reported for this variant. This variant has not been reported in individuals affected with BRCA2-related disorders in the literature. This variant has not been identified in the general population by the Genome Aggregation Database (gnomAD). The available evidence is insufficient to determine the role of this variant in disease conclusively. Therefore, this variant is classified as a Variant of Uncertain Significance.

University of Washington Department of Laboratory Medicine, University of Washington
Classification: Likely benign for Hereditary cancer-predisposing syndrome. Last evaluated: 2023-03-23. Review status: criteria provided, single submitter. Criteria: Dines et al. (Genet Med. 2020). Collection method: curation. Allele origin: germline.
Comment: Missense variant in a coldspot region where missense variants are very unlikely to be pathogenic (PMID:31911673).

BRCA2 exon 11 coldspot. Reclassification based on statistical prior probability.